The following is an entry in ClinVar:

NM_001003800.2(BICD2):c.1290C>A (p.Asn430Lys)

Gene: BICD2 (BICD cargo adaptor 2; minus strand). Cytogenetic location: 9q22.31.
Variant type: single nucleotide variant.
Coding change: c.1290C>A on transcript NM_001003800.2 (MANE Select); coding-DNA position 1290, C replaced by A.
Protein change: p.Asn430Lys; replaces asparagine 430 with lysine.
Molecular consequence: missense variant.
Genome position (GRCh38, 1-based): chr9:92,719,355, G>T on the plus strand (C>A on the coding strand, the complement: BICD2 is on the minus strand). VCF-style: chr9-92719355-G-T. GRCh37 (hg19) VCF-style: chr9-95481637-G-T.
Other names: c.1290C>A, p.Asn430Lys (NM_015250.4); short protein forms N430K.
Identifiers: ClinVar variation 3647170 (VCV003647170.2).

ClinVar aggregate classification (germline): Uncertain significance (1 of 4 stars; one submission).

Conditions:
Autosomal dominant childhood-onset proximal spinal muscular atrophy with contractures (SMALED2A). Also called: SPINAL MUSCULAR ATROPHY, LOWER EXTREMITY-PREDOMINANT, 2A, CHILDHOOD ONSET, AUTOSOMAL DOMINANT; Spinal muscular atrophy, lower extremity-predominant, 2A, autosomal dominant. Identifiers: Orphanet 363447, Orphanet 363454, MedGen C4747715, MONDO:0014121, OMIM 615290.

gnomAD v4.1: 1 of 1,614,200 alleles (0.000062%); highest among the groups gnomAD compares: Non-Finnish European, 0.000085%; no homozygotes.

Submission:

Labcorp Genetics (formerly Invitae), Labcorp
Classification: Uncertain significance for Autosomal dominant childhood-onset proximal spinal muscular atrophy with contractures. Last evaluated: 2024-03-21. Review status: criteria provided, single submitter. Criteria: Invitae Variant Classification Sherloc (09022015). Collection method: clinical testing. Allele origin: germline.
Comment: This sequence change replaces asparagine, which is neutral and polar, with lysine, which is basic and polar, at codon 430 of the BICD2 protein (p.Asn430Lys). This variant is not present in population databases (gnomAD no frequency). This variant has not been reported in the literature in individuals affected with BICD2-related conditions. Advanced modeling of protein sequence and biophysical properties (such as structural, functional, and spatial information, amino acid conservation, physicochemical variation, residue mobility, and thermodynamic stability) performed at Invitae indicates that this missense variant is not expected to disrupt BICD2 protein function with a negative predictive value of 80%. In summary, the available evidence is currently insufficient to determine the role of this variant in disease. Therefore, it has been classified as a Variant of Uncertain Significance.